The following is an entry in ClinVar:

ClinVar aggregate classification (germline): Uncertain significance. Review status: criteria provided, multiple submitters, no conflicts (2 of 4 stars). 4 submissions from 4 submitters: Uncertain significance (4). Last evaluated 2025-01-16.

Conditions:
Inborn genetic diseases. Identifiers: MedGen C0950123, MeSH D030342.
Congenital sensory neuropathy with selective loss of small myelinated fibers (HSAN5). Also called: HSAN Type V. Identifiers: Orphanet 64752, MedGen C0020075, MONDO:0012092, OMIM 608654.

Allele frequency attached by ClinVar (database versions not stated): gnomAD exomes 0.00001; ExAC 0.00002.
gnomAD v4.1: 28 of 1,614,110 alleles (0.0017%); highest among the groups gnomAD compares: Admixed American, 0.0083%; no homozygotes.

Submissions (4):

GeneDx
Classification: Uncertain significance. Last evaluated: 2025-01-16. Review status: criteria provided, single submitter. Criteria: GeneDx Variant Classification Process June 2021. Collection method: clinical testing. Allele origin: germline. Affected: yes.
Comment: In silico analysis supports that this missense variant has a deleterious effect on protein structure/function; Has not been previously published as pathogenic or benign to our knowledge

Genome-Nilou Lab
Classification: Uncertain significance for Congenital sensory neuropathy with selective loss of small myelinated fibers. Last evaluated: 2023-04-11. Review status: criteria provided, single submitter. Criteria: ACMG Guidelines, 2015. Collection method: clinical testing. Allele origin: germline. Affected: no.

Labcorp Genetics (formerly Invitae), Labcorp
Classification: Uncertain significance for Congenital sensory neuropathy with selective loss of small myelinated fibers. Last evaluated: 2022-02-23. Review status: criteria provided, single submitter. Criteria: Invitae Variant Classification Sherloc (09022015). Collection method: clinical testing. Allele origin: germline.
Comment: This sequence change replaces arginine, which is basic and polar, with cysteine, which is neutral and slightly polar, at codon 62 of the NGF protein (p.Arg62Cys). This variant is present in population databases (rs755243469, gnomAD 0.009%). This variant has not been reported in the literature in individuals affected with NGF-related conditions. ClinVar contains an entry for this variant (Variation ID: 848301). Algorithms developed to predict the effect of missense changes on protein structure and function are either unavailable or do not agree on the potential impact of this missense change (SIFT: "Deleterious"; PolyPhen-2: "Probably Damaging"; Align-GVGD: "Class C0"). In summary, the available evidence is currently insufficient to determine the role of this variant in disease. Therefore, it has been classified as a Variant of Uncertain Significance.

Ambry Genetics
Classification: Uncertain significance for Inborn genetic diseases. Last evaluated: 2022-02-08. Review status: criteria provided, single submitter. Criteria: Ambry Variant Classification Scheme 2023. Collection method: clinical testing. Allele origin: germline.
Comment: The p.R62C variant (also known as c.184C>T), located in coding exon 1 of the NGF gene, results from a C to T substitution at nucleotide position 184. The arginine at codon 62 is replaced by cysteine, an amino acid with highly dissimilar properties. This amino acid position is well conserved in available vertebrate species. In addition, this alteration is predicted to be tolerated by in silico analysis. Since supporting evidence is limited at this time, the clinical significance of this alteration remains unclear.

NM_002506.3(NGF):c.184C>T (p.Arg62Cys)

Genes: NGF-AS1 (NGF antisense RNA 1; plus strand), NGF (nerve growth factor; minus strand). Cytogenetic location: 1p13.2.
Variant type: single nucleotide variant.
Coding change: c.184C>T on transcript NM_002506.3 (MANE Select); coding-DNA position 184, C replaced by T.
Protein change: p.Arg62Cys; replaces arginine 62 with cysteine.
Molecular consequence: missense variant.
Genome position (GRCh38, 1-based): chr1:115,286,612, G>A on the plus strand (C>T on the coding strand, the complement: NGF is on the minus strand). VCF-style: chr1-115286612-G-A. GRCh37 (hg19) VCF-style: chr1-115829233-G-A.
Other names: short protein forms R62C.
Identifiers: ClinVar variation 848301 (VCV000848301.13), dbSNP rs755243469, ClinGen allele CA1023042.
Genomic context (GRCh38, chr1:115,286,612, plus strand): 5'-GTCGCCGCTTTTTAAACAGCCTGGGGTCCACAGTAATGTTGCGGGTCTGCCCCGCCACGC[G>A]TGCAGCTATCGCCGCTGCCGGGGCGCTGCGGGCTCTGCGAAGGGCAGTGTCAAGGGAATG-3'
Protein context (NP_002497.2, residues 52-72): RSAPAAAIAA[Arg62Cys]VAGQTRNITV